The following is an entry in ClinVar:

NM_000424.4(KRT5):c.304G>A (p.Gly102Ser)

Gene: KRT5 (keratin 5; minus strand). Cytogenetic location: 12q13.13.
Variant type: single nucleotide variant.
Coding change: c.304G>A on transcript NM_000424.4 (MANE Select); coding-DNA position 304, G replaced by A.
Protein change: p.Gly102Ser; replaces glycine 102 with serine.
Molecular consequence: missense variant.
Genome position (GRCh38, 1-based): chr12:52,519,993, C>T on the plus strand (G>A on the coding strand, the complement: KRT5 is on the minus strand). VCF-style: chr12-52519993-C-T. GRCh37 (hg19) VCF-style: chr12-52913777-C-T.
Other names: short protein forms G102S.
Identifiers: ClinVar variation 4798186 (VCV004798186.1).

ClinVar aggregate classification (germline): Uncertain significance (1 of 4 stars; one submission).

gnomAD v4.1: 76 of 1,613,756 alleles (0.0047%); highest among the groups gnomAD compares: Non-Finnish European, 0.0058%; no homozygotes.

Submission:

Labcorp Genetics (formerly Invitae), Labcorp
Classification: Uncertain significance. Last evaluated: 2025-12-29. Review status: criteria provided, single submitter. Criteria: Invitae Variant Classification Sherloc (09022015). Collection method: clinical testing. Allele origin: germline.
Comment: This sequence change replaces glycine, which is neutral and non-polar, with serine, which is neutral and polar, at codon 102 of the KRT5 protein (p.Gly102Ser). This variant is present in population databases (rs539432563, gnomAD 0.01%). This variant has not been reported in the literature in individuals affected with KRT5-related conditions. Invitae Evidence Modeling of protein sequence and biophysical properties (such as structural, functional, and spatial information, amino acid conservation, physicochemical variation, residue mobility, and thermodynamic stability) indicates that this missense variant is not expected to disrupt KRT5 protein function with a negative predictive value of 95%. In summary, the available evidence is currently insufficient to determine the role of this variant in disease. Therefore, it has been classified as a Variant of Uncertain Significance.